The following is an entry in ClinVar:

NM_000179.3(MSH6):c.3798T>G (p.His1266Gln)

Gene: MSH6 (mutS homolog 6; plus strand). Cytogenetic location: 2p16.3.
Variant type: single nucleotide variant.
Coding change: c.3798T>G on transcript NM_000179.3 (MANE Select); coding-DNA position 3798, T replaced by G.
Protein change: p.His1266Gln; replaces histidine 1266 with glutamine.
Molecular consequence: missense variant.
Genome position (GRCh38, 1-based): chr2:47,806,355, T>G. VCF-style: chr2-47806355-T-G. GRCh37 (hg19) VCF-style: chr2-48033494-T-G.
Other names: c.2934T>G, p.His978Gln (NM_001406803.1); c.3720T>G, p.His1240Gln (NM_001406804.1); c.3501T>G, p.His1167Gln (NM_001406805.1, NM_001406824.1, NM_001406825.1 and 10 more transcripts); c.3273T>G, p.His1091Gln (NM_001406806.1, NM_001406807.1, NM_001406799.1); c.3798T>G, p.His1266Gln (NM_001406808.1, NM_001406809.1, NM_001406796.1 and 1 more transcripts); c.2892T>G, p.His964Gln (NM_001406811.1, NM_001406812.1, NM_001406823.1 and 6 more transcripts); c.3804T>G, p.His1268Gln (NM_001406813.1); c.3630T>G, p.His1210Gln (NM_001406826.1); and 7 more; short protein forms H1208Q, H744Q, H1136Q, H1167Q, H1210Q, H1240Q, H1266Q, H215Q.
Identifiers: ClinVar variation 2064041 (VCV002064041.5), dbSNP rs1060504761, ClinGen allele CA346761192.

ClinVar aggregate classification (germline): Uncertain significance. Review status: criteria provided, multiple submitters, no conflicts (2 of 4 stars). 2 submissions from 2 submitters: Uncertain significance (2). Last evaluated 2026-08-13.

Conditions:
Hereditary nonpolyposis colorectal neoplasms. Identifiers: MedGen C0009405, MeSH D003123.
Hereditary cancer-predisposing syndrome. Also called: Tumor predisposition; Hereditary Cancer Syndrome; Hereditary neoplastic syndrome; Neoplastic Syndromes, Hereditary. Identifiers: Orphanet 140162, MedGen C0027672, MeSH D009386, MONDO:0015356.

Submissions (2):

Ambry Genetics
Classification: Uncertain significance for Hereditary cancer-predisposing syndrome. Last evaluated: 2026-08-13. Review status: criteria provided, single submitter. Criteria: Ambry Variant Classification Scheme 2023. Collection method: clinical testing. Allele origin: germline.
Comment: The p.H1266Q variant (also known as c.3798T>G), located in coding exon 8 of the MSH6 gene, results from a T to G substitution at nucleotide position 3798. The histidine at codon 1266 is replaced by glutamine, an amino acid with highly similar properties. This amino acid position is conserved. In addition, this alteration is predicted to be deleterious by in silico analysis. Based on the available evidence, the clinical significance of this variant remains unclear.

Labcorp Genetics (formerly Invitae), Labcorp
Classification: Uncertain significance for Hereditary nonpolyposis colorectal neoplasms. Last evaluated: 2021-12-28. Review status: criteria provided, single submitter. Criteria: Invitae Variant Classification Sherloc (09022015). Collection method: clinical testing. Allele origin: germline.
Comment: Advanced modeling of protein sequence and biophysical properties (such as structural, functional, and spatial information, amino acid conservation, physicochemical variation, residue mobility, and thermodynamic stability) performed at Invitae indicates that this missense variant is expected to disrupt MSH6 protein function. Algorithms developed to predict the effect of sequence changes on RNA splicing suggest that this variant may create or strengthen a splice site. In summary, the available evidence is currently insufficient to determine the role of this variant in disease. Therefore, it has been classified as a Variant of Uncertain Significance. This variant has not been reported in the literature in individuals affected with MSH6-related conditions. This sequence change replaces histidine, which is basic and polar, with glutamine, which is neutral and polar, at codon 1266 of the MSH6 protein (p.His1266Gln). This variant is not present in population databases (gnomAD no frequency).